The following is an entry in ClinVar:

ClinVar aggregate classification (germline): Uncertain significance (1 of 4 stars; one submission).

Allele frequency attached by ClinVar (database versions not stated): TOPMed below 0.00001; gnomAD exomes 0.00002.

Submission:

Labcorp Genetics (formerly Invitae), Labcorp
Classification: Uncertain significance. Last evaluated: 2023-07-25. Review status: criteria provided, single submitter. Criteria: Invitae Variant Classification Sherloc (09022015). Collection method: clinical testing. Allele origin: germline.
Comment: In summary, the available evidence is currently insufficient to determine the role of this variant in disease. Therefore, it has been classified as a Variant of Uncertain Significance. Experimental studies and prediction algorithms are not available or were not evaluated, and the functional significance of this variant is currently unknown. This variant has not been reported in the literature in individuals affected with CARD8-related conditions. This variant is not present in population databases (gnomAD no frequency). This sequence change replaces serine, which is neutral and polar, with glycine, which is neutral and non-polar, at codon 12 of the CARD8 protein (p.Ser12Gly).

NM_001184900.3(CARD8):c.34A>G (p.Ser12Gly)

Gene: CARD8 (caspase recruitment domain family member 8; minus strand). Cytogenetic location: 19q13.33.
Variant type: single nucleotide variant.
Coding change: c.34A>G on transcript NM_001184900.3 (MANE Select); coding-DNA position 34, A replaced by G.
Protein change: p.Ser12Gly; replaces serine 12 with glycine.
Molecular consequence: missense variant. On other transcripts: 5 prime UTR variant (7), non-coding transcript variant (4).
Genome position (GRCh38, 1-based): chr19:48,240,987, T>C on the plus strand (A>G on the coding strand, the complement: CARD8 is on the minus strand). VCF-style: chr19-48240987-T-C. GRCh37 (hg19) VCF-style: chr19-48744244-T-C.
Other names: c.34A>G, p.Ser12Gly (NM_001184901.1, NM_001184902.2, NM_001184903.1 and 6 more transcripts); c.-91A>G (NM_001351784.2, NM_001351787.2, NM_001351791.2 and 2 more transcripts); c.-305A>G (NM_001351786.2); c.-169A>G (NM_001351790.2); c.-598A>G (NM_001426741.1); short protein forms S12G.
Identifiers: ClinVar variation 2998204 (VCV002998204.3), dbSNP rs749471293, ClinGen allele CA309297701.